The following is an entry in ClinVar:

NM_015103.3(PLXND1):c.3973+10G>T

Gene: PLXND1 (plexin D1; minus strand). Cytogenetic location: 3q22.1.
Variant type: single nucleotide variant.
Coding change: c.3973+10G>T on transcript NM_015103.3 (MANE Select); 10 bases into the intron after coding-DNA position 3973, G replaced by T.
Molecular consequence: intron variant.
Genome position (GRCh38, 1-based): chr3:129,567,688, C>A on the plus strand (G>T on the coding strand, the complement: PLXND1 is on the minus strand). VCF-style: chr3-129567688-C-A. GRCh37 (hg19) VCF-style: chr3-129286531-C-A.
Identifiers: ClinVar variation 3060110 (VCV003060110.2), dbSNP rs2245281, ClinGen allele CA2608406.

ClinVar aggregate classification (germline): Benign (0 of 4 stars; one submission).

Conditions:
PLXND1-related disorder. Also called: PLXND1-related condition.

Allele frequency attached by ClinVar (database versions not stated): TOPMed 0.37518; ESP Exome Variant Server 0.37982; 1000 Genomes Project 30x 0.39850; 1000 Genomes Project 0.40036.
gnomAD v4.1: 512,062 of 1,589,942 alleles (32%); highest among the groups gnomAD compares: African/African-American, 51%; 85,547 homozygotes.

Submission:

PreventionGenetics, part of Exact Sciences
Classification: Benign for PLXND1-related condition. Last evaluated: 2019-06-06. Review status: no assertion criteria provided. Collection method: clinical testing. Allele origin: germline.
Comment: This variant is classified as benign based on ACMG/AMP sequence variant interpretation guidelines (Richards et al. 2015 PMID: 25741868, with internal and published modifications).